The following is an entry in ClinVar:

ClinVar aggregate classification (germline): Pathogenic (1 of 4 stars; one submission).

Conditions:
Early-infantile DEE. Also called: Early infantile epileptic encephalopathy; Ohtahara syndrome; Early infantile epileptic encephalopathy with suppression bursts. Identifiers: Orphanet 1934, MedGen C0393706, MONDO:0800491.

Submission:

Labcorp Genetics (formerly Invitae), Labcorp
Classification: Pathogenic for Early-infantile DEE. Last evaluated: 2023-05-09. Review status: criteria provided, single submitter. Criteria: Invitae Variant Classification Sherloc (09022015). Collection method: clinical testing. Allele origin: germline.
Comment: This sequence change creates a premature translational stop signal (p.Leu640Trpfs*2) in the KCNQ2 gene. While this is not anticipated to result in nonsense mediated decay, it is expected to disrupt the last 233 amino acid(s) of the KCNQ2 protein. This variant is not present in population databases (gnomAD no frequency). This premature translational stop signal has been observed in individual(s) with epilepsy (PMID: 31302675). This variant disrupts a region of the KCNQ2 protein in which other variant(s) (p.Cys774Leufs*91) have been determined to be pathogenic (PMID: 23692823). This suggests that this is a clinically significant region of the protein, and that variants that disrupt it are likely to be disease-causing. For these reasons, this variant has been classified as Pathogenic.

Literature cited by the submitters: PubMed 31302675; PubMed 23692823.

NM_172107.4(KCNQ2):c.1918del (p.Leu640fs)

Gene: KCNQ2 (potassium voltage-gated channel subfamily Q member 2; minus strand). Cytogenetic location: 20q13.33.
Variant type: Deletion.
Coding change: c.1918del on transcript NM_172107.4 (MANE Select); coding-DNA position 1918, one base deleted (C; older notation c.1918delC).
Protein change: p.Leu640fs; shifts the reading frame from leucine 640.
Molecular consequence: frameshift variant.
Genome position (GRCh38, 1-based): chr20:63,407,345, G deleted on the plus strand (C on the coding strand, the reverse complement: KCNQ2 is on the minus strand); the first of 2 consecutive G bases (chr20:63,407,345-63,407,346); deleting either gives the same sequence. VCF-style (leftmost placement, unchanged base first): chr20-63407344-AG-A. GRCh37 (hg19) VCF-style: chr20-62038697-AG-A.
Other names: c.1972del, p.Leu658fs (NM_001382235.1); c.1834del, p.Leu612fs (NM_004518.6); c.1864del, p.Leu622fs (NM_172106.3); c.1825del, p.Leu609fs (NM_172108.5); short protein forms L609fs, L622fs, L612fs, L640fs, L658fs.
Identifiers: ClinVar variation 2907552 (VCV002907552.3), dbSNP rs2516105418, ClinGen allele CA2695230038.
Genomic context (GRCh38, chr20:63,407,344, plus strand): 5'-CCAAAGTAGGCCTCGGTCTCTGTCGGGGGGATGCCCATCCGCTGCATGTAGATATTCACC[AG>A]GAAGTCCAGCTTCTTCTCCATGGACAAGACCTGCAAAAGGGGCTGCTGGGCTGGGGTGCG-3'